The following is an entry in ClinVar:

NM_001367624.2(ZNF469):c.3530G>A (p.Ser1177Asn)

Gene: ZNF469 (zinc finger protein 469; plus strand). Cytogenetic location: 16q24.2.
Variant type: single nucleotide variant.
Coding change: c.3530G>A on transcript NM_001367624.2 (MANE Select); coding-DNA position 3530, G replaced by A.
Protein change: p.Ser1177Asn; replaces serine 1177 with asparagine.
Molecular consequence: missense variant.
Genome position (GRCh38, 1-based): chr16:88,431,000, G>A. VCF-style: chr16-88431000-G-A. GRCh37 (hg19) VCF-style: chr16-88497408-G-A.
Other names: NM_001127464.1:c.3446G>A; short protein forms S1177N.
Identifiers: ClinVar variation 3232795 (VCV003232795.1), dbSNP rs2507583800, ClinGen allele CA397084892.

ClinVar aggregate classification (germline): Uncertain significance (1 of 4 stars; one submission).

Conditions:
Cardiovascular phenotype. Identifiers: MedGen CN230736.

Allele frequency attached by ClinVar (database versions not stated): gnomAD exomes below 0.00001.
gnomAD v4.1: 1 of 1,542,490 alleles (0.000065%); highest among the groups gnomAD compares: Admixed American, 0.002%; no homozygotes.

Submission:

Ambry Genetics
Classification: Uncertain significance for Cardiovascular phenotype. Last evaluated: 2023-12-22. Review status: criteria provided, single submitter. Criteria: Ambry Variant Classification Scheme 2023. Collection method: clinical testing. Allele origin: germline.
Comment: The p.S1149N variant (also known as c.3446G>A), located in coding exon 2 of the ZNF469 gene, results from a G to A substitution at nucleotide position 3446. The serine at codon 1149 is replaced by asparagine, an amino acid with highly similar properties. This amino acid position is conserved. In addition, this alteration is predicted to be tolerated by in silico analysis. Since supporting evidence is limited at this time, the clinical significance of this alteration remains unclear.